The following is an entry in ClinVar:

ClinVar aggregate classification (germline): Likely benign (1 of 4 stars; one submission).

Allele frequency attached by ClinVar (database versions not stated): gnomAD exomes 0.00030; ExAC 0.00046; 1000 Genomes Project 0.00100; TOPMed 0.00107; gnomAD 0.00113; 1000 Genomes Project 30x 0.00125; ESP Exome Variant Server 0.00153.
gnomAD v4.1: 600 of 1,551,590 alleles (0.039%); highest among the groups gnomAD compares: African/African-American, 0.38%; no homozygotes.

Submission:

CeGaT Center for Human Genetics Tuebingen
Classification: Likely benign. Last evaluated: 2022-06-01. Review status: criteria provided, single submitter. Criteria: CeGaT Center For Human Genetics Tuebingen Variant Classification Criteria Version 2. Collection method: clinical testing. Allele origin: germline. Affected: yes. Observed: 2 variant alleles.
Comment: NWD2: BP4, BP7

NM_001144990.2(NWD2):c.4497G>A (p.Ser1499=)

Gene: NWD2 (NACHT and WD repeat domain containing 2; plus strand). Cytogenetic location: 4p14.
Variant type: single nucleotide variant.
Coding change: c.4497G>A on transcript NM_001144990.2 (MANE Select); coding-DNA position 4497, G replaced by A.
Protein change: p.Ser1499=; no amino-acid change (serine 1499 retained).
Molecular consequence: synonymous variant.
Genome position (GRCh38, 1-based): chr4:37,446,485, G>A. VCF-style: chr4-37446485-G-A. GRCh37 (hg19) VCF-style: chr4-37448107-G-A.
Identifiers: ClinVar variation 2654717 (VCV002654717.24), dbSNP rs73133793, ClinGen allele CA2886022.